The following is an entry in ClinVar:

ClinVar aggregate classification (germline): Pathogenic (1 of 4 stars; one submission).

Submission:

Labcorp Genetics (formerly Invitae), Labcorp
Classification: Pathogenic. Last evaluated: 2024-03-27. Review status: criteria provided, single submitter. Criteria: Invitae Variant Classification Sherloc (09022015). Collection method: clinical testing. Allele origin: germline.
Comment: This sequence change creates a premature translational stop signal (p.Ser554Argfs*36) in the UNC80 gene. It is expected to result in an absent or disrupted protein product. Loss-of-function variants in UNC80 are known to be pathogenic (PMID: 26545877, 26708751, 26708753). This variant is not present in population databases (gnomAD no frequency). This variant has not been reported in the literature in individuals affected with UNC80-related conditions. For these reasons, this variant has been classified as Pathogenic.

Literature cited by the submitters: PubMed 26545877; PubMed 26708751; PubMed 26708753.

NM_001371986.1(UNC80):c.1652_1659dup (p.Ser554fs)

Genes: UNC80 (unc-80 subunit of NALCN channel complex; plus strand), LOC122861286 (Sharpr-MPRA regulatory region 8450; plus strand). Cytogenetic location: 2q34.
Variant type: Duplication.
Coding change: c.1652_1659dup on transcript NM_001371986.1 (MANE Select); coding-DNA positions 1652 to 1659, 8 bases duplicated (CGGACCCC; older notation c.1652_1659dupCGGACCCC).
Protein change: p.Ser554fs; shifts the reading frame from serine 554.
Molecular consequence: frameshift variant.
Genome position (GRCh38, 1-based): chr2:209,817,911-209,817,918, CGGACCCC duplicated; duplicating any 8 consecutive bases within chr2:209,817,910-209,817,918 gives the same sequence; the c. name uses the placement nearest the transcript's 3' end. VCF-style (leftmost placement, unchanged base first): chr2-209817909-G-GCCGGACCC. GRCh37 (hg19) VCF-style: chr2-210682633-G-GCCGGACCC.
Other names: c.1652_1659dup, p.Ser554fs (NM_032504.2, NM_182587.4); short protein forms S554fs.
Identifiers: ClinVar variation 3647796 (VCV003647796.2).